The following is an entry in ClinVar:

NM_001330260.2(SCN8A):c.4885C>T (p.Arg1629Cys)

Gene: SCN8A (sodium voltage-gated channel alpha subunit 8; plus strand). Cytogenetic location: 12q13.13.
Variant type: single nucleotide variant.
Coding change: c.4885C>T on transcript NM_001330260.2 (MANE Select); coding-DNA position 4885, C replaced by T.
Protein change: p.Arg1629Cys; replaces arginine 1629 with cysteine.
Molecular consequence: missense variant.
Genome position (GRCh38, 1-based): chr12:51,806,371, C>T. VCF-style: chr12-51806371-C-T. GRCh37 (hg19) VCF-style: chr12-52200155-C-T.
Other names: c.4762C>T, p.Arg1588Cys (NM_001177984.3, NM_001369788.1); c.4885C>T, p.Arg1629Cys (NM_014191.4); short protein forms R1629C, R1588C.
Identifiers: ClinVar variation 646657 (VCV000646657.3), dbSNP rs1592174265, ClinGen allele CA384880442.

ClinVar aggregate classification (germline): Uncertain significance. Review status: criteria provided, multiple submitters, no conflicts (2 of 4 stars). 2 submissions from 2 submitters: Uncertain significance (2). Last evaluated 2023-06-22.

Conditions:
Developmental and epileptic encephalopathy. Identifiers: MedGen C5779964, MONDO:0100620.
Developmental and epileptic encephalopathy, 13 (DEE13). Also called: SCN8A-Related Epilepsy; Developmental and Epileptic Encephalopathy (SCN8A-DEE); Early infantile epileptic encephalopathy 13. Identifiers: Orphanet 442835, MedGen C3281191, MONDO:0013801, OMIM 614558.

Allele frequency attached by ClinVar (database versions not stated): gnomAD exomes below 0.00001.

Submissions (2):

Neuberg Centre For Genomic Medicine, NCGM
Classification: Uncertain significance for Developmental and epileptic encephalopathy, 13. Last evaluated: 2023-06-22. Review status: criteria provided, single submitter. Criteria: ACMG Guidelines, 2015. Collection method: clinical testing. Allele origin: germline. Inheritance: Autosomal dominant inheritance. Affected: yes.
Comment: The missense c.4885C>T (p.Arg1629Cys) variant in the SCN8A gene has not been reported previously as a pathogenic variant nor as a benign variant, to our knowledge. This variant is absent in the gnomAD Exomes. This variant has been reported to the ClinVar database as Uncertain Significance. However, no details are available for independent assessment. The amino acid Arginine at position 1629 is changed to a Cystine changing protein sequence and it might alter its composition and physico-chemical properties. Multiple lines of computational evidence (Polyphen - Probably damaging, SIFT – Damaging and MutationTaster - Disease causing) predict a damaging effect on protein structure and function for this variant. The amino acid Arginine in SCN8A is predicted as conserved by GERP++ and PhyloP across 100 vertebrates. For these reasons, this variant has been classified as Uncertain Significance.

Labcorp Genetics (formerly Invitae), Labcorp
Classification: Uncertain significance for Early infantile epileptic encephalopathy with suppression bursts. Last evaluated: 2018-11-13. Review status: criteria provided, single submitter. Criteria: Invitae Variant Classification Sherloc (09022015). Collection method: clinical testing. Allele origin: germline.
Comment: This sequence change replaces arginine with cysteine at codon 1629 of the SCN8A protein (p.Arg1629Cys). The arginine residue is highly conserved and there is a large physicochemical difference between arginine and cysteine. This variant is not present in population databases (ExAC no frequency). This variant has not been reported in the literature in individuals with SCN8A-related disease. Algorithms developed to predict the effect of missense changes on protein structure and function are either unavailable or do not agree on the potential impact of this missense change (SIFT: "Deleterious"; PolyPhen-2: "Probably Damaging"; Align-GVGD: "Class C0"). In summary, the available evidence is currently insufficient to determine the role of this variant in disease. Therefore, it has been classified as a Variant of Uncertain Significance.